The following is an entry in ClinVar:

NM_001009944.3(PKD1):c.11693C>A (p.Ser3898Ter)

Genes: PKD1 (polycystin 1, transient receptor potential channel interacting; minus strand), PKD1-AS1 (PKD1 antisense RNA 1; plus strand). Cytogenetic location: 16p13.3.
Variant type: single nucleotide variant.
Coding change: c.11693C>A on transcript NM_001009944.3 (MANE Select); coding-DNA position 11693, C replaced by A.
Protein change: p.Ser3898Ter; replaces serine 3898 with a stop codon.
Molecular consequence: nonsense. On other transcripts: non-coding transcript variant (1).
Genome position (GRCh38, 1-based): chr16:2,091,442, G>T on the plus strand (C>A on the coding strand, the complement: PKD1 is on the minus strand). VCF-style: chr16-2091442-G-T. GRCh37 (hg19) VCF-style: chr16-2141443-G-T.
Other names: c.11690C>A, p.Ser3897Ter (NM_000296.4); short protein forms S3897*, S3898*.
Identifiers: ClinVar variation 975082 (VCV000975082.7), dbSNP rs2091572700, ClinGen allele CA394331664.

ClinVar aggregate classification (germline): Pathogenic. Review status: criteria provided, multiple submitters, no conflicts (2 of 4 stars). 5 submissions from 5 submitters: Pathogenic (5). Last evaluated 2025-01-31.

Conditions:
Polycystic kidney disease, adult type (PKD1). Also called: POLYCYSTIC KIDNEY DISEASE, ADULT, TYPE I; Polycystic Kidney, Autosomal Dominant; POLYCYSTIC KIDNEY DISEASE 1 WITH OR WITHOUT POLYCYSTIC LIVER DISEASE; Polycystic Kidney Disease 1, Autosomal Dominant; Polycystic kidney disease 1; Polycystic kidney disease 1, severe. Identifiers: MedGen C3149841, MONDO:0008263, OMIM 173900.
PKD1-related disorder. Also called: PKD1-related condition.

Submissions (5):

GeneDx
Classification: Pathogenic. Last evaluated: 2025-01-31. Review status: criteria provided, single submitter. Criteria: GeneDx Variant Classification Process June 2021. Collection method: clinical testing. Allele origin: germline. Affected: yes.
Comment: Nonsense variant predicted to result in protein truncation or nonsense mediated decay in a gene for which loss of function is a known mechanism of disease; Not observed at significant frequency in large population cohorts (gnomAD); This variant is associated with the following publications: (PMID: 25525159, 18067079, 32939031, 18350644, 38765603, 29270497)

Fulgent Genetics
Classification: Pathogenic for Polycystic kidney disease, adult type. Last evaluated: 2022-04-29. Review status: criteria provided, single submitter. Criteria: ACMG Guidelines, 2015. Collection method: clinical testing. Allele origin: unknown.

Women's Health and Genetics/Laboratory Corporation of America, LabCorp
Classification: Pathogenic for Polycystic kidney disease, adult type. Last evaluated: 2022-03-27. Review status: criteria provided, single submitter. Criteria: LabCorp Variant Classification Summary - May 2015. Collection method: clinical testing. Allele origin: germline.
Comment: Variant summary: PKD1 c.11693C>A (p.Ser3898X) results in a premature termination codon, predicted to cause a truncation of the encoded protein or absence of the protein due to nonsense mediated decay, which are commonly known mechanisms for disease. The variant was absent in 4272 control chromosomes. c.11693C>A has been reported in the literature in individuals affected with Polycystic Kidney Disease 1 (example, Li_2007, Chebib_2017, Jayasinghe_2021). These data indicate that the variant is likely to be associated with disease. One clinical diagnostic laboratory has submitted clinical-significance assessments for this variant to ClinVar after 2014 without evidence for independent evaluation and classified the variant as pathogenic. Based on the evidence outlined above, the variant was classified as pathogenic.

Blueprint Genetics
Classification: Pathogenic for PKD1-related disorders. Last evaluated: 2021-03-24. Review status: criteria provided, single submitter. Criteria: ACMG Guidelines, 2015. Collection method: clinical testing. Allele origin: germline. Affected: yes. Observed: 2 variant alleles.

Victorian Clinical Genetics Services, Murdoch Childrens Research Institute
Classification: Pathogenic for Polycystic kidney disease, adult type. Last evaluated: 2018-04-28. Review status: criteria provided, single submitter. Criteria: ACMG Guidelines, 2015. Collection method: clinical testing. Allele origin: unknown. Affected: yes.
Comment: A heterozygous nonsense variant, NM_001009944.2(PKD1):c.11693C>A, has been identified in exon 42 of 46 in the PKD1 gene. The variant is predicted to result in a premature stop codon at position 3898 of the protein, NP_001009944.2(PKD1):p.(Ser3898*). This variant is predicted to result in loss of protein function either through truncation (including the PKD channel) or nonsense-mediated decay, which is a reported mechanism of pathogenicity for this gene. The variant is absent in population databases (gnomAD, dbSNP, 1000G) and has been previously described as pathogenic in one individual with autosomal dominant polycystic kidney disease (HGMD). Based on the information available at the time of curation, this variant has been classified as PATHOGENIC.

Literature cited by the submitters: PubMed 29270497 (cited by Women's Health and Genetics/Laboratory Corporation of America, LabCorp); PubMed 32939031 (cited by Women's Health and Genetics/Laboratory Corporation of America, LabCorp); PubMed 18350644 (cited by Women's Health and Genetics/Laboratory Corporation of America, LabCorp).